The following is an entry in ClinVar:

ClinVar aggregate classification (germline): Uncertain significance (1 of 4 stars; one submission).

Conditions:
Combined oxidative phosphorylation defect type 7. Identifiers: Orphanet 254930, MedGen C3150801, MONDO:0013306, OMIM 613559.
Spastic paraplegia. Identifiers: MedGen C0037772, HP:0001258.

Submission:

Labcorp Genetics (formerly Invitae), Labcorp
Classification: Uncertain significance for Combined oxidative phosphorylation defect type 7; Spastic paraplegia. Last evaluated: 2024-08-09. Review status: criteria provided, single submitter. Criteria: Invitae Variant Classification Sherloc (09022015). Collection method: clinical testing. Allele origin: germline.
Comment: This sequence change replaces histidine, which is basic and polar, with asparagine, which is neutral and polar, at codon 68 of the C12orf65 protein (p.His68Asn). This variant is not present in population databases (gnomAD no frequency). This variant has not been reported in the literature in individuals affected with C12orf65-related conditions. An algorithm developed to predict the effect of missense changes on protein structure and function (PolyPhen-2) suggests that this variant is likely to be tolerated. In summary, the available evidence is currently insufficient to determine the role of this variant in disease. Therefore, it has been classified as a Variant of Uncertain Significance.

NM_152269.5(MTRFR):c.202C>A (p.His68Asn)

Gene: MTRFR (mitochondrial translation release factor in rescue; plus strand). Cytogenetic location: 12q24.31.
Variant type: single nucleotide variant.
Coding change: c.202C>A on transcript NM_152269.5 (MANE Select); coding-DNA position 202, C replaced by A.
Protein change: p.His68Asn; replaces histidine 68 with asparagine.
Molecular consequence: missense variant.
Genome position (GRCh38, 1-based): chr12:123,253,876, C>A. VCF-style: chr12-123253876-C-A. GRCh37 (hg19) VCF-style: chr12-123738423-C-A.
Other names: c.202C>A, p.His68Asn (NM_001143905.2, NM_001194995.1); short protein forms H68N.
Identifiers: ClinVar variation 3757608 (VCV003757608.2).
Genomic context (GRCh38, chr12:123,253,876, plus strand): 5'-GACTACCCTGCACTGCTTTCCTTGGATGAGAATGAACTCGAAGAGCAGTTTGTGAAAGGA[C>A]ACGGTCCAGGGGGCCAGGCAACCAACAAAACCAGCAACTGCGTGGTGCTGAAGCACATCC-3'
Protein context (NP_689482.1, residues 58-78): NELEEQFVKG[His68Asn]GPGGQATNKT